The following is an entry in ClinVar:

ClinVar aggregate classification (germline): Conflicting classifications of pathogenicity. Review status: criteria provided, conflicting classifications (1 of 4 stars). 12 submissions from 10 submitters: Uncertain significance (1); Benign (7); Likely benign (3). 1 of the submissions does not count toward it. Last evaluated 2026-08-01.

Conditions:
Usher syndrome type 1 (USH1). Also called: RETINITIS PIGMENTOSA AND CONGENITAL DEAFNESS. Identifiers: Orphanet 231169, Orphanet 886, MedGen C1568247, MONDO:0010168, OMIM 276900.
Autosomal recessive nonsyndromic hearing loss 2. Also called: DEAFNESS, AUTOSOMAL RECESSIVE 2; NEUROSENSORY NONSYNDROMIC RECESSIVE DEAFNESS 2. Identifiers: Orphanet 90636, MedGen C1838701, MONDO:0010807, OMIM 600060.
Usher syndrome type 1B (USH1B). Also called: Usher syndrome type IB. Identifiers: MedGen C1848638, MONDO:0700087.
Autosomal dominant nonsyndromic hearing loss 11. Identifiers: Orphanet 90635, MedGen C1832475, MONDO:0011032, OMIM 601317.
Cohen syndrome (COH1). Also called: Cutis verticis gyrata, retinitis pigmentosa, and sensorineural deafness; PEPPER SYNDROME. Identifiers: Orphanet 193, MedGen C0265223, MONDO:0008999, OMIM 216550.

Allele frequency attached by ClinVar (database versions not stated): 1000 Genomes Project 0.00399; TOPMed 0.00657; gnomAD 0.00565 and 0.00559; ESP Exome Variant Server 0.00751; 1000 Genomes Project 30x 0.00375.
gnomAD v4.1: 7,708 of 1,614,052 alleles (0.48%); highest among the groups gnomAD compares: Middle Eastern, 1.5%; 36 homozygotes.

Submissions (12):

CeGaT Center for Human Genetics Tuebingen
Classification: Likely benign. Last evaluated: 2026-08-01. Review status: criteria provided, single submitter. Criteria: CeGaT Center For Human Genetics Tuebingen Variant Classification Criteria Version 2. Collection method: clinical testing. Allele origin: germline. Affected: yes. Observed: 12 variant alleles.
Comment: MYO7A: BP4, BP7, BS2

Labcorp Genetics (formerly Invitae), Labcorp
Classification: Benign. Last evaluated: 2026-02-04. Review status: criteria provided, single submitter. Criteria: Invitae Variant Classification Sherloc (09022015). Collection method: clinical testing. Allele origin: germline.

Blueprint Genetics
Classification: Likely benign. Last evaluated: 2024-11-20. Review status: criteria provided, single submitter. Criteria: ACMG Guidelines, 2015. Collection method: clinical testing. Allele origin: germline.

Genome-Nilou Lab
Classification: Benign for Cohen syndrome. Last evaluated: 2021-05-18. Review status: criteria provided, single submitter. Criteria: ACMG Guidelines, 2015. Collection method: clinical testing. Allele origin: germline. Affected: no.

Athena Diagnostics
Classification: Benign. Last evaluated: 2019-03-30. Review status: criteria provided, single submitter. Criteria: Athena Diagnostics Criteria. Collection method: clinical testing. Allele origin: germline.

Illumina Laboratory Services, Illumina
Classification: Benign for Autosomal dominant nonsyndromic hearing loss 11. Last evaluated: 2018-01-13. Review status: criteria provided, single submitter. Criteria: ICSL Variant Classification Criteria 13 December 2019. Collection method: clinical testing. Allele origin: germline.
Comment: This variant was observed in the ICSL laboratory as part of a predisposition screen in an ostensibly healthy population. It had not been previously curated by ICSL or reported in the Human Gene Mutation Database (HGMD: prior to June 1st, 2018), and was therefore a candidate for classification through an automated scoring system. Utilizing variant allele frequency, disease prevalence and penetrance estimates, and inheritance mode, an automated score was calculated to assess if this variant is too frequent to cause the disease. Based on the score and internal cut-off values, a variant classified as benign is not then subjected to further curation. The score for this variant resulted in a classification of benign for this disease.

Illumina Laboratory Services, Illumina
Classification: Uncertain significance for Autosomal recessive nonsyndromic hearing loss 2. Last evaluated: 2018-01-13. Review status: criteria provided, single submitter. Criteria: ICSL Variant Classification Criteria 13 December 2019. Collection method: clinical testing. Allele origin: germline.

Illumina Laboratory Services, Illumina
Classification: Likely benign for Usher syndrome type 1. Last evaluated: 2018-01-13. Review status: criteria provided, single submitter. Criteria: ICSL Variant Classification Criteria 13 December 2019. Collection method: clinical testing. Allele origin: germline.
Comment: This variant was observed in the ICSL laboratory as part of a predisposition screen in an ostensibly healthy population. It had not been previously curated by ICSL or reported in the Human Gene Mutation Database (HGMD: prior to June 1st, 2018), and was therefore a candidate for classification through an automated scoring system. Utilizing variant allele frequency, disease prevalence and penetrance estimates, and inheritance mode, an automated score was calculated to assess if this variant is too frequent to cause the disease. Based on the score and internal cut-off values, a variant classified as likely benign is not then subjected to further curation. The score for this variant resulted in a classification of likely benign for this disease.

Eurofins Ntd Llc (ga)
Classification: Benign. Last evaluated: 2016-03-23. Review status: criteria provided, single submitter. Criteria: EGL Classification Definitions 2015. Collection method: clinical testing. Allele origin: germline. Observed: 1 variant allele, 1 heterozygote.

GeneDx
Classification: Benign. Last evaluated: 2013-12-19. Review status: criteria provided, single submitter. Criteria: GeneDx Variant Classification (06012015). Collection method: clinical testing. Allele origin: germline. Affected: yes.
Comment: This variant is considered likely benign or benign based on one or more of the following criteria: it is a conservative change, it occurs at a poorly conserved position in the protein, it is predicted to be benign by multiple in silico algorithms, and/or has population frequency not consistent with disease.

Laboratory for Molecular Medicine, Mass General Brigham Personalized Medicine
Classification: Benign. Last evaluated: 2010-07-13. Review status: criteria provided, single submitter. Criteria: LMM Criteria. Collection method: clinical testing. Allele origin: germline. Observed: 34 variant alleles.
Comment: Ser1358Ser in exon 31 of MYO7A: This variant is not expected to have clinical si gnificance because it does not alter an amino acid residue, is not located near a splice junction and it occurs at an equal frequency in probands and the genera l population (Adato 1997, Janecke 1999, Jaijo 2006).

Natera, Inc.
Classification: Benign for Usher syndrome type 1B. Last evaluated: 2020-09-16. Review status: no assertion criteria provided. Collection method: clinical testing. Allele origin: germline. Not counted in ClinVar's aggregate classification.

Literature cited by the submitters: PubMed 9382091 (cited by Laboratory for Molecular Medicine, Mass General Brigham Personalized Medicine).

NM_000260.4(MYO7A):c.4074C>T (p.Ser1358=)

Gene: MYO7A (myosin VIIA; plus strand). Cytogenetic location: 11q13.5.
Variant type: single nucleotide variant.
Coding change: c.4074C>T on transcript NM_000260.4 (MANE Select); coding-DNA position 4074, C replaced by T.
Protein change: p.Ser1358=; no amino-acid change (serine 1358 retained).
Molecular consequence: synonymous variant.
Genome position (GRCh38, 1-based): chr11:77,192,200, C>T. VCF-style: chr11-77192200-C-T. GRCh37 (hg19) VCF-style: chr11-76903245-C-T.
Other names: p.S1358S:TCC>TCT; c.4074C>T, p.Ser1358= (NM_001127180.2); c.4041C>T, p.Ser1347= (NM_001369365.1).
Identifiers: ClinVar variation 43233 (VCV000043233.56), dbSNP rs78996818, ClinGen allele CA132315.